The following is an entry in ClinVar:

ClinVar aggregate classification (germline): Pathogenic. Review status: criteria provided, multiple submitters, no conflicts (2 of 4 stars). 2 submissions from 2 submitters: Pathogenic (2). Last evaluated 2017-08-25.

Conditions:
Severe X-linked myotubular myopathy (CNMX). Also called: MYOTUBULAR MYOPATHY 1; X-linked centronuclear myopathy; Myotubular myopathy, X-linked. Identifiers: Orphanet 596, MedGen C0410203, MONDO:0010683, OMIM 310400.

Submissions (2):

Labcorp Genetics (formerly Invitae), Labcorp
Classification: Pathogenic for Severe X-linked myotubular myopathy. Last evaluated: 2017-08-25. Review status: criteria provided, single submitter. Criteria: Invitae Variant Classification Sherloc (09022015). Collection method: clinical testing. Allele origin: germline.
Comment: This sequence change creates a premature translational stop signal (p.Leu144Argfs*11) in the MTM1 gene. It is expected to result in an absent or disrupted protein product. This variant is not present in population databases (ExAC no frequency). This variant has been identified in individuals affected with X-linked myotubular myopathy (PMID: 20500434). ClinVar contains an entry for this variant (Variation ID: 158972). Loss-of-function variants in MTM1 are known to be pathogenic (PMID: 9305655, 10063835). For these reasons, this variant has been classified as Pathogenic.

Genetic Services Laboratory, University of Chicago
Classification: Pathogenic for Myotubular myopathy, X-linked. Last evaluated: 2013-02-08. Review status: criteria provided, single submitter. Criteria: ACMG Guidelines, 2007. Collection method: clinical testing. Allele origin: germline. Inheritance: X-linked inheritance. Affected: yes.

Literature cited by the submitters: PubMed 20500434 (cited by Labcorp Genetics (formerly Invitae), Labcorp); PubMed 9305655 (cited by Labcorp Genetics (formerly Invitae), Labcorp); PubMed 10063835 (cited by Labcorp Genetics (formerly Invitae), Labcorp).

NM_000252.3(MTM1):c.431del (p.Leu144fs)

Gene: MTM1 (myotubularin 1; plus strand). Cytogenetic location: Xq28.
Variant type: Deletion.
Coding change: c.431del on transcript NM_000252.3 (MANE Select); coding-DNA position 431, one base deleted (T; older notation c.431delT).
Protein change: p.Leu144fs; shifts the reading frame from leucine 144.
Molecular consequence: frameshift variant.
Genome position (GRCh38, 1-based): chrX:150,619,126, T deleted. VCF-style (leftmost placement, unchanged base first): chrX-150619125-CT-C. GRCh37 (hg19) VCF-style: chrX-149787598-CT-C.
Other names: c.431delT (NM_000252.2); c.431del, p.Leu144fs (NM_001376906.1, NM_001376908.1); c.320del, p.Leu107fs (NM_001376907.1); short protein forms L107fs.
Identifiers: ClinVar variation 158972 (VCV000158972.12), dbSNP rs587783826, ClinGen allele CA271882.